The following is an entry in ClinVar:

NM_152564.5(VPS13B):c.1520A>G (p.Asn507Ser)

Gene: VPS13B (vacuolar protein sorting 13 homolog B; plus strand). Cytogenetic location: 8q22.2.
Variant type: single nucleotide variant.
Coding change: c.1520A>G on transcript NM_152564.5 (MANE Select); coding-DNA position 1520, A replaced by G.
Protein change: p.Asn507Ser; replaces asparagine 507 with serine.
Molecular consequence: missense variant.
Genome position (GRCh38, 1-based): chr8:99,135,690, A>G. VCF-style: chr8-99135690-A-G. GRCh37 (hg19) VCF-style: chr8-100147918-A-G.
Other names: c.1520A>G (NM_152564.4); c.1520A>G, p.Asn507Ser (NM_015243.3, NM_017890.5); short protein forms N507S.
Identifiers: ClinVar variation 1525970 (VCV001525970.6), dbSNP rs749312835, ClinGen allele CA4822643.

ClinVar aggregate classification (germline): Uncertain significance. Review status: criteria provided, multiple submitters, no conflicts (2 of 4 stars). 2 submissions from 2 submitters: Uncertain significance (2). Last evaluated 2026-08-20.

Conditions:
VPS13B-related disorder. Also called: VPS13B-related condition.
Cohen syndrome (COH1). Also called: Cutis verticis gyrata, retinitis pigmentosa, and sensorineural deafness; PEPPER SYNDROME. Identifiers: Orphanet 193, MedGen C0265223, MONDO:0008999, OMIM 216550.

Allele frequency attached by ClinVar (database versions not stated): gnomAD 0.00001; TOPMed 0.00002; ExAC 0.00003; gnomAD exomes 0.00003 and 0.00004.
gnomAD v4.1: 39 of 1,613,332 alleles (0.0024%); highest among the groups gnomAD compares: South Asian, 0.032%; 1 homozygote.

Submissions (2):

PreventionGenetics, part of Exact Sciences
Classification: Uncertain significance for VPS13B-related condition. Last evaluated: 2026-08-20. Review status: criteria provided, single submitter. Criteria: ACMG Guidelines, 2015. Collection method: clinical testing. Allele origin: germline.
Comment: The VPS13B c.1520A>G variant is predicted to result in the amino acid substitution p.Asn507Ser. To our knowledge, this variant has not been reported in the literature. This variant is reported in 0.033% of alleles in individuals of South Asian descent in gnomAD, including a homozygous individual. At this time, the clinical significance of this variant is uncertain due to the absence of conclusive functional and genetic evidence.

Labcorp Genetics (formerly Invitae), Labcorp
Classification: Uncertain significance for Cohen syndrome. Last evaluated: 2021-09-24. Review status: criteria provided, single submitter. Criteria: Invitae Variant Classification Sherloc (09022015). Collection method: clinical testing. Allele origin: germline.
Comment: This sequence change replaces asparagine with serine at codon 507 of the VPS13B protein (p.Asn507Ser). The asparagine residue is weakly conserved and there is a small physicochemical difference between asparagine and serine. This variant is present in population databases (rs749312835, ExAC 0.02%). This variant has not been reported in the literature in individuals with VPS13B-related conditions. Algorithms developed to predict the effect of missense changes on protein structure and function are either unavailable or do not agree on the potential impact of this missense change (SIFT: "Not Available"; PolyPhen-2: "Possibly Damaging"; Align-GVGD: "Not Available"). In summary, the available evidence is currently insufficient to determine the role of this variant in disease. Therefore, it has been classified as a Variant of Uncertain Significance.